The following is an entry in ClinVar:

NM_014608.6(CYFIP1):c.3057G>A (p.Val1019=)

Gene: CYFIP1 (cytoplasmic FMR1 interacting protein 1; minus strand). Cytogenetic location: 15q11.2.
Variant type: single nucleotide variant.
Coding change: c.3057G>A on transcript NM_014608.6 (MANE Select); coding-DNA position 3057, G replaced by A.
Protein change: p.Val1019=; no amino-acid change (valine 1019 retained).
Molecular consequence: synonymous variant.
Genome position (GRCh38, 1-based): chr15:22,875,257, C>T on the plus strand (G>A on the coding strand, the complement: CYFIP1 is on the minus strand). VCF-style: chr15-22875257-C-T. GRCh37 (hg19) VCF-style: chr15-22997811-G-A.
Other names: c.1764G>A, p.Val588= (NM_001033028.3); c.3057G>A, p.Val1019= (NM_001287810.4, NM_001324120.2, NM_001324123.3); c.3159G>A, p.Val1053= (NM_001324119.2); c.1377G>A, p.Val459= (NM_001324122.3); c.2967G>A, p.Val989= (NM_001324124.3); c.2691G>A, p.Val897= (NM_001324125.3); c.2955G>A, p.Val985= (NM_001324126.3).
Identifiers: ClinVar variation 2644949 (VCV002644949.24), dbSNP rs114042648, ClinGen allele CA7425369.

ClinVar aggregate classification (germline): Likely benign (1 of 4 stars; one submission).

Allele frequency attached by ClinVar (database versions not stated): gnomAD exomes 0.00017; ExAC 0.00049; gnomAD 0.00109; TOPMed 0.00130; ESP Exome Variant Server 0.00154; 1000 Genomes Project 30x 0.00187; 1000 Genomes Project 0.00200.
gnomAD v4.1: 430 of 1,614,100 alleles (0.027%); highest among the groups gnomAD compares: African/African-American, 0.38%; 5 homozygotes.

Submission:

CeGaT Center for Human Genetics Tuebingen
Classification: Likely benign. Last evaluated: 2022-09-01. Review status: criteria provided, single submitter. Criteria: CeGaT Center For Human Genetics Tuebingen Variant Classification Criteria Version 2. Collection method: clinical testing. Allele origin: germline. Affected: yes. Observed: 1 variant allele.
Comment: CYFIP1: BP4, BP7